The following is an entry in ClinVar:

ClinVar aggregate classification (germline): Conflicting classifications of pathogenicity. Review status: criteria provided, conflicting classifications (1 of 4 stars). 23 submissions from 19 submitters: Uncertain significance (1); Benign (12); Likely benign (4). 6 of the submissions do not count toward it. Last evaluated 2026-09-01.

Conditions:
Cardiovascular phenotype. Identifiers: MedGen CN230736.
Dilated cardiomyopathy 1G (CMD1G). Identifiers: Orphanet 154, MedGen C1858763, MONDO:0011400, OMIM 604145.
Autosomal recessive limb-girdle muscular dystrophy type 2J (LGMDR10). Also called: MUSCULAR DYSTROPHY, LIMB-GIRDLE, AUTOSOMAL RECESSIVE 10; Limb-girdle muscular dystrophy, type 2J. Identifiers: Orphanet 140922, MedGen C1837342, MONDO:0012127, OMIM 608807.
Cardiomyopathy (CMYO). Also called: Cardiomyopathies. Identifiers: Orphanet 167848, MedGen C0878544, MONDO:0004994, HP:0001638. Inheritance: Various modes of inheritance.
Myopathy, myofibrillar, 9, with early respiratory failure (MFM9). Also called: Myopathy, distal, with early respiratory failure, autosomal dominant; Hereditary myopathy with early respiratory failure; MYOPATHY, PROXIMAL, WITH EARLY RESPIRATORY MUSCLE INVOLVEMENT; EDSTROM MYOPATHY. Identifiers: Orphanet 178464, Orphanet 34521, MedGen C1863599, MONDO:0011362, OMIM 603689.
Early-onset myopathy with fatal cardiomyopathy (CMYO5). Also called: CONGENITAL MYOPATHY 5 WITH CARDIOMYOPATHY; Salih Myopathy. Identifiers: Orphanet 289377, MedGen C2673677, MONDO:0012714, OMIM 611705. Disease mechanism: loss of function.
Tibial muscular dystrophy (TMD). Also called: Udd Distal Myopathy – Tibial Muscular Dystrophy; Tibial muscular dystrophy, tardive; UDD MYOPATHY. Identifiers: Orphanet 609, MedGen C1838244, MONDO:0010870, OMIM 600334.

Allele frequency attached by ClinVar (database versions not stated): 1000 Genomes Project 0.00160; 1000 Genomes Project 30x 0.00203; gnomAD 0.00097 and 0.00075; TOPMed 0.00111; ESP Exome Variant Server 0.00122.
gnomAD v4.1: 2,216 of 1,609,056 alleles (0.14%); highest among the groups gnomAD compares: South Asian, 0.98%; 29 homozygotes.

Submissions (23):

CeGaT Center for Human Genetics Tuebingen
Classification: Likely benign. Last evaluated: 2026-09-01. Review status: criteria provided, single submitter. Criteria: CeGaT Center For Human Genetics Tuebingen Variant Classification Criteria Version 2. Collection method: clinical testing. Allele origin: germline. Affected: yes. Observed: 46 variant alleles.
Comment: TTN: BP4, BP7, BS2

Labcorp Genetics (formerly Invitae), Labcorp
Classification: Benign for Dilated cardiomyopathy 1G; Autosomal recessive limb-girdle muscular dystrophy type 2J. Last evaluated: 2026-01-26. Review status: criteria provided, single submitter. Criteria: Invitae Variant Classification Sherloc (09022015). Collection method: clinical testing. Allele origin: germline.

Mayo Clinic Laboratories, Mayo Clinic
Classification: Benign. Last evaluated: 2025-07-08. Review status: criteria provided, single submitter. Criteria: ACMG Guidelines, 2015. Collection method: clinical testing. Allele origin: germline. Observed: 6 variant alleles.
Comment: BS1, BS2

Molecular Diagnostic Laboratory for Inherited Cardiovascular Disease, Montreal Heart Institute
Classification: Benign. Last evaluated: 2025-04-09. Review status: criteria provided, single submitter. Criteria: ACMG Guidelines, 2015. Collection method: clinical testing. Allele origin: germline. Affected: no.

Blueprint Genetics
Classification: Likely benign. Last evaluated: 2024-11-23. Review status: criteria provided, single submitter. Criteria: ACMG Guidelines, 2015. Collection method: clinical testing. Allele origin: germline.

ARUP Laboratories, Molecular Genetics and Genomics, ARUP Laboratories
Classification: Benign. Last evaluated: 2024-07-14. Review status: criteria provided, single submitter. Criteria: ARUP Molecular Germline Variant Investigation Process 2024. Collection method: clinical testing. Allele origin: germline.

Women's Health and Genetics/Laboratory Corporation of America, LabCorp
Classification: Benign. Last evaluated: 2022-04-17. Review status: criteria provided, single submitter. Criteria: LabCorp Variant Classification Summary - May 2015. Collection method: clinical testing. Allele origin: germline.

Illumina Laboratory Services, Illumina
Classification: Likely benign for Early-onset myopathy with fatal cardiomyopathy. Last evaluated: 2018-01-12. Review status: criteria provided, single submitter. Criteria: ICSL Variant Classification Criteria 13 December 2019. Collection method: clinical testing. Allele origin: germline.
Comment: This variant was observed in the ICSL laboratory as part of a predisposition screen in an ostensibly healthy population. It had not been previously curated by ICSL or reported in the Human Gene Mutation Database (HGMD: prior to June 1st, 2018), and was therefore a candidate for classification through an automated scoring system. Utilizing variant allele frequency, disease prevalence and penetrance estimates, and inheritance mode, an automated score was calculated to assess if this variant is too frequent to cause the disease. Based on the score and internal cut-off values, a variant classified as likely benign is not then subjected to further curation. The score for this variant resulted in a classification of likely benign for this disease.

Illumina Laboratory Services, Illumina
Classification: Likely benign for Dilated cardiomyopathy 1G. Last evaluated: 2018-01-12. Review status: criteria provided, single submitter. Criteria: ICSL Variant Classification Criteria 13 December 2019. Collection method: clinical testing. Allele origin: germline.
Comment: the same text as in the submission from Illumina Laboratory Services, Illumina above.

Illumina Laboratory Services, Illumina
Classification: Benign for Tibial muscular dystrophy. Last evaluated: 2018-01-12. Review status: criteria provided, single submitter. Criteria: ICSL Variant Classification Criteria 13 December 2019. Collection method: clinical testing. Allele origin: germline.
Comment: This variant was observed in the ICSL laboratory as part of a predisposition screen in an ostensibly healthy population. It had not been previously curated by ICSL or reported in the Human Gene Mutation Database (HGMD: prior to June 1st, 2018), and was therefore a candidate for classification through an automated scoring system. Utilizing variant allele frequency, disease prevalence and penetrance estimates, and inheritance mode, an automated score was calculated to assess if this variant is too frequent to cause the disease. Based on the score and internal cut-off values, a variant classified as benign is not then subjected to further curation. The score for this variant resulted in a classification of benign for this disease.

Illumina Laboratory Services, Illumina
Classification: Benign for Myopathy, myofibrillar, 9, with early respiratory failure. Last evaluated: 2018-01-12. Review status: criteria provided, single submitter. Criteria: ICSL Variant Classification Criteria 13 December 2019. Collection method: clinical testing. Allele origin: germline.
Comment: the same text as in the submission from Illumina Laboratory Services, Illumina above.

Illumina Laboratory Services, Illumina
Classification: Uncertain significance for Autosomal recessive limb-girdle muscular dystrophy type 2J. Last evaluated: 2018-01-12. Review status: criteria provided, single submitter. Criteria: ICSL Variant Classification Criteria 13 December 2019. Collection method: clinical testing. Allele origin: germline.

CHEO Genetics Diagnostic Laboratory, Children's Hospital of Eastern Ontario
Classification: Benign for Cardiomyopathy. Last evaluated: 2017-02-06. Review status: criteria provided, single submitter. Criteria: ACMG Guidelines, 2015. Collection method: clinical testing. Allele origin: germline. Study: Canadian Open Genetics Repository.

Ambry Genetics
Classification: Benign for Cardiovascular phenotype. Last evaluated: 2016-08-16. Review status: criteria provided, single submitter. Criteria: Ambry Variant Classification Scheme 2023. Collection method: clinical testing. Allele origin: germline.

Eurofins Ntd Llc (ga)
Classification: Benign. Last evaluated: 2015-10-15. Review status: criteria provided, single submitter. Criteria: EGL Classification Definitions 2015. Collection method: clinical testing. Allele origin: germline. Observed: 1 variant allele, 1 heterozygote.

Laboratory for Molecular Medicine, Mass General Brigham Personalized Medicine
Classification: Benign. Last evaluated: 2015-04-15. Review status: criteria provided, single submitter. Criteria: LMM Criteria. Collection method: clinical testing. Allele origin: germline. Observed: 8 variant alleles.
Comment: p.Ser19357Ser in exon 262 of TTN: This variant is not expected to have clinical significance because it has been identified in 1.0% (163/15666) of South Asian c hromosomes by the Exome Aggregation Consortium (ExAC .org; dbSNP rs72646867).

GeneDx
Classification: Benign. Last evaluated: 2014-03-26. Review status: criteria provided, single submitter. Criteria: GeneDx Variant Classification (06012015). Collection method: clinical testing. Allele origin: germline. Affected: yes.
Comment: This variant is considered likely benign or benign based on one or more of the following criteria: it is a conservative change, it occurs at a poorly conserved position in the protein, it is predicted to be benign by multiple in silico algorithms, and/or has population frequency not consistent with disease.

Clinical Genetics DNA and cytogenetics Diagnostics Lab, Erasmus MC, Erasmus Medical Center
Classification: Likely benign. Review status: no assertion criteria provided. Collection method: clinical testing. Allele origin: germline. Affected: yes. Study: VKGL Data-share Consensus. Not counted in ClinVar's aggregate classification.

Clinical Genetics, Academic Medical Center
Classification: Benign. Review status: no assertion criteria provided. Collection method: clinical testing. Allele origin: germline. Affected: yes. Study: VKGL Data-share Consensus. Not counted in ClinVar's aggregate classification.

Diagnostic Laboratory, Department of Genetics, University Medical Center Groningen
Classification: Likely benign. Review status: no assertion criteria provided. Collection method: clinical testing. Allele origin: germline. Affected: yes. Study: VKGL Data-share Consensus. Not counted in ClinVar's aggregate classification.

Genome Diagnostics Laboratory, University Medical Center Utrecht
Classification: Benign. Review status: no assertion criteria provided. Collection method: clinical testing. Allele origin: germline. Affected: yes. Study: VKGL Data-share Consensus. Not counted in ClinVar's aggregate classification.

Joint Genome Diagnostic Labs from Nijmegen and Maastricht, Radboudumc and MUMC+
Classification: Benign. Review status: no assertion criteria provided. Collection method: clinical testing. Allele origin: germline. Affected: yes. Study: VKGL Data-share Consensus. Not counted in ClinVar's aggregate classification.

Laboratory of Diagnostic Genome Analysis, Leiden University Medical Center (LUMC)
Classification: Benign. Review status: no assertion criteria provided. Collection method: clinical testing. Allele origin: germline. Affected: yes. Study: VKGL Data-share Consensus. Not counted in ClinVar's aggregate classification.

NM_001267550.2(TTN):c.65775C>T (p.Ser21925=)

Genes: TTN (titin; minus strand), TTN-AS1 (TTN antisense RNA 1; plus strand). Cytogenetic location: 2q31.2.
Variant type: single nucleotide variant.
Coding change: c.65775C>T on transcript NM_001267550.2 (MANE Select); coding-DNA position 65775, C replaced by T.
Protein change: p.Ser21925=; no amino-acid change (serine 21925 retained).
Molecular consequence: synonymous variant. On other transcripts: non-coding transcript variant (1).
Genome position (GRCh38, 1-based): chr2:178,583,028, G>A on the plus strand (C>T on the coding strand, the complement: TTN is on the minus strand). VCF-style: chr2-178583028-G-A. GRCh37 (hg19) VCF-style: chr2-179447755-G-A.
Other names: p.S20284S:AGC>AGT; p.Ser20284=; c.60852C>T, p.Ser20284= (NM_001256850.1); c.38580C>T, p.Ser12860= (NM_003319.4); c.58071C>T, p.Ser19357= (NM_133378.4); c.38955C>T, p.Ser12985= (NM_133432.3); c.39156C>T, p.Ser13052= (NM_133437.4).
Identifiers: ClinVar variation 47230 (VCV000047230.64), dbSNP rs72646867, ClinGen allele CA283624.